The following is an entry in ClinVar:

NM_000482.4(APOA4):c.1145A>G (p.Glu382Gly)

Gene: APOA4 (apolipoprotein A4; minus strand). Cytogenetic location: 11q23.3.
Variant type: single nucleotide variant.
Coding change: c.1145A>G on transcript NM_000482.4 (MANE Select); coding-DNA position 1145, A replaced by G.
Protein change: p.Glu382Gly; replaces glutamic acid 382 with glycine.
Molecular consequence: missense variant.
Genome position (GRCh38, 1-based): chr11:116,820,913, T>C on the plus strand (A>G on the coding strand, the complement: APOA4 is on the minus strand). VCF-style: chr11-116820913-T-C. GRCh37 (hg19) VCF-style: chr11-116691629-T-C.
Other names: short protein forms E382G.
Identifiers: ClinVar variation 1370221 (VCV001370221.8), dbSNP rs2134217444, ClinGen allele CA382698597.
Genomic context (GRCh38, chr11:116,820,913, plus strand): 5'-GCACCAGGGGCAGCTCAGCTCTCCAAAGGGGCCAGCATCTGCACCTGCTCCTGCTGCTGC[T>C]CCTGCTGCTGTTCCTGCTGTTGCTCCAGCTCAGGGAGGGAGAGAGTCTTGTCCTGGCTCT-3'
Protein context (NP_000473.2, residues 372-392): ELEQQQEQQQ[Glu382Gly]QQQEQVQMLA

ClinVar aggregate classification (germline): Uncertain significance (1 of 4 stars; one submission).

Submission:

Labcorp Genetics (formerly Invitae), Labcorp
Classification: Uncertain significance. Last evaluated: 2021-05-25. Review status: criteria provided, single submitter. Criteria: Invitae Variant Classification Sherloc (09022015). Collection method: clinical testing. Allele origin: germline.
Comment: In summary, the available evidence is currently insufficient to determine the role of this variant in disease. Therefore, it has been classified as a Variant of Uncertain Significance. Algorithms developed to predict the effect of missense changes on protein structure and function are either unavailable or do not agree on the potential impact of this missense change (SIFT: "Tolerated"; PolyPhen-2: "Not Available"; Align-GVGD: "Class C0"). This variant has not been reported in the literature in individuals with APOA4-related conditions. This variant is not present in population databases (ExAC no frequency). This sequence change replaces glutamic acid with glycine at codon 382 of the APOA4 protein (p.Glu382Gly). The glutamic acid residue is weakly conserved and there is a moderate physicochemical difference between glutamic acid and glycine.